The following is an entry in ClinVar:

NM_001034853.2(RPGR):c.2442_2445del (p.Gly817fs)

Gene: RPGR (retinitis pigmentosa GTPase regulator; minus strand). Cytogenetic location: Xp11.4.
Variant type: Deletion.
Coding change: c.2442_2445del on transcript NM_001034853.2 (MANE Select); coding-DNA positions 2442 to 2445, 4 bases deleted (AGAG; older notation c.2442_2445delAGAG).
Protein change: p.Gly817fs; shifts the reading frame from glycine 817.
Molecular consequence: frameshift variant. On other transcripts: intron variant (8).
Genome position (GRCh38, 1-based): chrX:38,286,554-38,286,557, CTCT deleted on the plus strand (AGAG on the coding strand, the reverse complement: RPGR is on the minus strand). VCF-style (leftmost placement, unchanged base first): chrX-38286553-CCTCT-C. GRCh37 (hg19) VCF-style: chrX-38145806-CCTCT-C.
Other names: c.2442_2445del (NM_001034853.1); c.1569+4402_1569+4405del (NM_001367249.1, NM_001367250.1); c.1902+537_1902+540del (NM_001367245.1); c.1386+4402_1386+4405del (NM_001367251.1); c.1719+537_1719+540del (NM_001367246.1); c.1572+4402_1572+4405del (NM_001367247.1); c.1905+537_1905+540del (NM_000328.3); c.1602+4402_1602+4405del (NM_001367248.1); and 1 more; short protein forms G817fs.
Identifiers: ClinVar variation 620582 (VCV000620582.58), dbSNP rs1569237077, ClinGen allele CA913190425.
Genomic context (GRCh38, chrX:38,286,553, plus strand): 5'-CCCCCTCACCCTCCTCCTCTTCCTCTTCCCTCTCTCCTTTCCCCTCCTCTACTTCCCCTC[CCTCT>C]ACTTCCCCTCCCTCCTCTTTTTCCTCCCCTCTCCCCTCTGTTTCCTCCTCTTCCCCCTCT-3'

ClinVar aggregate classification (germline): Pathogenic. Review status: reviewed by expert panel (3 of 4 stars). 14 submissions from 13 submitters: Pathogenic (1). 13 of the submissions do not count toward it. Last evaluated 2026-10-30.

Conditions:
Primary ciliary dyskinesia. Also called: Ciliary dyskinesia. Identifiers: Orphanet 244, MedGen C0008780, MONDO:0016575, HP:0012265.
Retinal disorder. Also called: Retinopathy; Retinopathies; Retinal Diseases; Retinal disorders. Identifiers: MedGen C0035309, MONDO:0005283, HP:0000488.
X-linked cone-rod dystrophy 1 (CORDX1). Identifiers: Orphanet 1872, MedGen C1844776, MONDO:0010566, OMIM 304020.
Retinitis pigmentosa 3. Also called: CHOROIDORETINAL DEGENERATION WITH RETINAL REFLEX IN HETEROZYGOUS WOMEN. Identifiers: Orphanet 791, MedGen C1845667, MONDO:0010227, OMIM 300029.
Retinitis pigmentosa, X-linked, and sinorespiratory infections, with or without deafness (RPSRDF). Identifiers: Orphanet 247522, MedGen C2749137, OMIM 300455.
Macular degeneration, X-linked atrophic. Identifiers: Orphanet 1872, MedGen C3151784, MONDO:0010443, OMIM 300834.
RPGR-related retinopathy. Also called: RPGR retinopathy. Identifiers: MedGen CN305589, MONDO:0100437.
Retinal dystrophy. Also called: Inherited retinal dystrophy. Identifiers: Orphanet 71862, MedGen C0854723, MeSH D058499, MONDO:0019118, HP:0000556.
Retinitis pigmentosa (RP). Identifiers: Orphanet 791, MedGen C0035334, MeSH D012174, MONDO:0019200, OMIM 268000. Inheritance: Autosomal dominant, autosomal recessive and X linked inheritance.

Submissions (14):

ClinGen X-linked Inherited Retinal Disease Variant Curation Expert Panel, ClinGen
Classification: Pathogenic for RPGR-related retinopathy. Last evaluated: 2026-10-30. Review status: reviewed by expert panel. Criteria: ClinGen X LinkedIRD ACMG Specifications RPGR V1.0.0. Collection method: curation. Allele origin: germline. Inheritance: X-linked inheritance.
Comment: NM_001034853.2(RPGR):c.2442_2445del (p.Gly817LysfsTer2) is a frameshift variant due to deletion of 4 nucleotides, which results in a premature stop codon after 2 amino acids and causes a truncated protein, which disrupts a critical C-terminal region required for proper function of RPGR (PVS1, PMID: 36445968). This variant is absent from hemizygous individuals in gnomAD v4.1.2 (PM2_Supporting). This variant has been reported in at least 3 apparently unrelated probands meeting the PS4 requirement of some functional vision impairment in affected males by age 30 years, with decreased or absent cone and/or rod electroretinogram responses (PMIDs: 32531858, 33090715, 34410191, PS4_Supporting). Other publications also identified this variant but failed to answer the requirements. At least one proband harboring this variant exhibits a phenotype including family history consistent with X-linked inheritance (2 pts), NGS panel of 117 genes tested that did not identify an alternative basis for disease (2 pts), delayed or milder phenotype in affected female family members (1 pt), nyctalopia (0.5 pts), optic nerve pallor (0.5 pts), decreased central vision acuity (0.5 pts), myopia (0.5 pts), pigmentary retinopathy (0.5 pts) and visual field constrictions (0.5 pts), which together are highly specific for RPGR-related retinopathy (8 points, PMID: 32036094, PP4_Moderate). The variant has been reported to segregate with retinal dystrophy through at least 3 affected meioses from 1 family (PP1; PMID: 32036094). In summary, this variant is classified as Pathogenic for RPGR-related retinopathy based on the ClinGen X-linked Inherited Retinal Disease Expert Panel Specifications to the ACMG/AMP Variant Interpretation Guidelines for RPGR Version 1.0.0: PVS1, PM2_Supporting, PS4_Supporting, PP4_Moderate, and PP1.

Institute of Immunology and Genetics Kaiserslautern
Classification: Pathogenic for X-linked cone-rod dystrophy 1; Macular degeneration, X-linked atrophic; Retinitis pigmentosa 3; Retinitis pigmentosa, X-linked, and sinorespiratory infections, with or without deafness. Last evaluated: 2026-01-21. Review status: criteria provided, single submitter. Criteria: ACMG Guidelines, 2015. Collection method: clinical testing. Allele origin: germline. Affected: yes. Not counted in ClinVar's aggregate classification.
Comment: ACMG Criteria: PVS1, PS3, PS4, PM2, PP1; Variant was found in hemizygous state.

Labcorp Genetics (formerly Invitae), Labcorp
Classification: Pathogenic for Primary ciliary dyskinesia. Last evaluated: 2026-01-05. Review status: criteria provided, single submitter. Criteria: Invitae Variant Classification Sherloc (09022015). Collection method: clinical testing. Allele origin: germline. Not counted in ClinVar's aggregate classification.
Comment: This sequence change creates a premature translational stop signal (p.Gly817Lysfs*2) in the RPGR (ORF15) gene. While this is not anticipated to result in nonsense mediated decay, it is expected to disrupt the last 336 amino acid(s) of the RPGR (ORF15) protein. This variant is not present in population databases (gnomAD no frequency). This premature translational stop signal has been observed in individual(s) with retinitis pigmentosa or cone-rod dystrophy (PMID: 23150612, 23372056, 27620828). This variant is also known as Val814fs. ClinVar contains an entry for this variant (Variation ID: 620582). This variant disrupts a region of the RPGR (ORF15) protein in which other variant(s) (p.Leu1130Lysfs*13 ) have been determined to be pathogenic (PMID: 22264887; internal data). This suggests that this is a clinically significant region of the protein, and that variants that disrupt it are likely to be disease-causing. For these reasons, this variant has been classified as Pathogenic.

GeneDx
Classification: Pathogenic. Last evaluated: 2025-12-19. Review status: criteria provided, single submitter. Criteria: GeneDx Variant Classification Process June 2021. Collection method: clinical testing. Allele origin: germline. Affected: yes. Not counted in ClinVar's aggregate classification.
Comment: Frameshift variant predicted to result in protein truncation in a gene for which loss of function is a known mechanism of disease; Published functional studies show that p.(G817Kfs*2) causes cilia length defects in patient derived fibroblast samples (PMID: 33355362); Not observed at significant frequency in large population cohorts (gnomAD); This variant is associated with the following publications: (PMID: 33620278, 33355362, 32036094, 31953110, 33090715, 34745198, 10932196, 23150612, 36882936, 36276946, 36996441, 36460718, 37217489, 23372056, 35432464, 34985506, 38219857, 38927562, 37895299, 38586605, 27620828, 27798110)

Genetics Laboratory, Great Ormond Street Hospital NHS Foundation Trust, North Thames Genomic Laboratory Hub
Classification: Pathogenic for Retinal disorders. Last evaluated: 2025-09-16. Review status: criteria provided, single submitter. Criteria: ACGS Best Practice Guidelines for Variant Classification in Rare Disease 2024 v1.2. Collection method: clinical testing. Allele origin: germline. Affected: yes. Not counted in ClinVar's aggregate classification.
Comment: PS4_moderate, PM2_moderate, PVS1_very-strong

Dept Of Ophthalmology, Nagoya University
Classification: Likely pathogenic for Retinal dystrophy. Last evaluated: 2023-10-01. Review status: criteria provided, single submitter. Criteria: Submitter's publication. Collection method: research. Allele origin: germline. Affected: yes. Not counted in ClinVar's aggregate classification.

CeGaT Center for Human Genetics Tuebingen
Classification: Pathogenic. Last evaluated: 2022-01-01. Review status: criteria provided, single submitter. Criteria: CeGaT Center For Human Genetics Tuebingen Variant Classification Criteria Version 2. Collection method: clinical testing. Allele origin: germline. Affected: yes. Observed: 2 variant alleles. Not counted in ClinVar's aggregate classification.

Institute of Human Genetics, Univ. Regensburg, Univ. Regensburg
Classification: Pathogenic for Retinal dystrophy. Last evaluated: 2022-01-01. Review status: criteria provided, single submitter. Criteria: ACMG Guidelines, 2015. Collection method: clinical testing. Allele origin: germline. Affected: yes. Not counted in ClinVar's aggregate classification.

Genetics and Molecular Pathology, SA Pathology
Classification: Pathogenic for Retinitis pigmentosa. Last evaluated: 2020-10-14. Review status: criteria provided, single submitter. Criteria: ACMG Guidelines, 2015. Collection method: clinical testing. Allele origin: germline. Affected: yes. Not counted in ClinVar's aggregate classification.

Baylor Genetics
Classification: Pathogenic for Retinitis pigmentosa 3. Last evaluated: 2018-06-22. Review status: criteria provided, single submitter. Criteria: ACMG Guidelines, 2015. Collection method: clinical testing. Allele origin: unknown. Affected: yes. Not counted in ClinVar's aggregate classification.
Comment: This variant was determined to be pathogenic according to ACMG Guidelines, 2015 [PMID:25741868]. This variant has been previously reported as disease-causing [PMID 10932196, 23150612, also described as g.ORF15+689_692del4]

Blueprint Genetics
Classification: Pathogenic for Retinal dystrophy. Last evaluated: 2017-09-19. Review status: criteria provided, single submitter. Criteria: Blueprint Genetics Variant Classification Scheme. Collection method: clinical testing. Allele origin: germline. Affected: yes. Not counted in ClinVar's aggregate classification.

Molecular Diagnostics Laboratory, M Health Fairview: University of Minnesota
Classification: Pathogenic for Retinitis pigmentosa 3. Last evaluated: 2017-08-31. Review status: criteria provided, single submitter. Criteria: ACMG Guidelines, 2015. Collection method: clinical testing. Allele origin: germline. Affected: yes. Observed: 1 variant allele. Not counted in ClinVar's aggregate classification.

PreventionGenetics, part of Exact Sciences
Classification: Pathogenic. Last evaluated: 2016-11-06. Review status: criteria provided, single submitter. Criteria: ACMG Guidelines, 2015. Collection method: clinical testing. Allele origin: germline. Not counted in ClinVar's aggregate classification.

Blueprint Genetics
Classification: Pathogenic for Retinitis pigmentosa 3. Review status: no assertion criteria provided. Collection method: clinical testing. Allele origin: germline. Affected: yes. Not counted in ClinVar's aggregate classification.

Literature cited by the submitters: PubMed 23150612 (cited by 3 submitters); PubMed 23372056 (cited by Labcorp Genetics (formerly Invitae), Labcorp); PubMed 27620828 (cited by Labcorp Genetics (formerly Invitae), Labcorp); PubMed 22264887 (cited by Labcorp Genetics (formerly Invitae), Labcorp); PubMed 10932196 (cited by 3 submitters); PubMed 31953110 (cited by Institute of Human Genetics, Univ. Regensburg, Univ. Regensburg); PubMed 33090715 (cited by Institute of Human Genetics, Univ. Regensburg, Univ. Regensburg); PubMed 33355362 (cited by Institute of Human Genetics, Univ. Regensburg, Univ. Regensburg); PubMed 32036094 (cited by Institute of Human Genetics, Univ. Regensburg, Univ. Regensburg); PubMed 33620278 (cited by Institute of Human Genetics, Univ. Regensburg, Univ. Regensburg); PubMed 34745198 (cited by Institute of Human Genetics, Univ. Regensburg, Univ. Regensburg); PubMed 36460718 (cited by Institute of Human Genetics, Univ. Regensburg, Univ. Regensburg); PubMed 36276946 (cited by Institute of Human Genetics, Univ. Regensburg, Univ. Regensburg); PubMed 35432464 (cited by Institute of Human Genetics, Univ. Regensburg, Univ. Regensburg); PubMed 34985506 (cited by Institute of Human Genetics, Univ. Regensburg, Univ. Regensburg); PubMed 36996441 (cited by Institute of Human Genetics, Univ. Regensburg, Univ. Regensburg); PubMed 17195164 (cited by Molecular Diagnostics Laboratory, M Health Fairview: University of Minnesota); PubMed 11754050 (cited by Molecular Diagnostics Laboratory, M Health Fairview: University of Minnesota).